The following is an entry in ClinVar:

NM_000051.4(ATM):c.1701T>C (p.Asn567=)

Gene: ATM (ATM serine/threonine kinase; plus strand). Cytogenetic location: 11q22.3.
Variant type: single nucleotide variant.
Coding change: c.1701T>C on transcript NM_000051.4 (MANE Select); coding-DNA position 1701, T replaced by C.
Protein change: p.Asn567=; no amino-acid change (asparagine 567 retained).
Molecular consequence: synonymous variant.
Genome position (GRCh38, 1-based): chr11:108,251,930, T>C. VCF-style: chr11-108251930-T-C. GRCh37 (hg19) VCF-style: chr11-108122657-T-C.
Other names: c.1701T>C, p.Asn567= (NM_001351834.2).
Identifiers: ClinVar variation 236677 (VCV000236677.15), dbSNP rs878853487, ClinGen allele CA10582797.

ClinVar aggregate classification (germline): Benign/Likely benign. Review status: criteria provided, multiple submitters, no conflicts (2 of 4 stars). 4 submissions from 4 submitters: Benign (1); Likely benign (3). Last evaluated 2024-05-01.

Conditions:
Familial cancer of breast. Also called: hereditary breast carcinoma; BREAST CANCER, FAMILIAL; Hereditary breast cancer. Identifiers: Orphanet 227535, MedGen C0346153, MONDO:0016419, OMIM 114480. Disease mechanism: loss of function.
Hereditary cancer-predisposing syndrome. Also called: Tumor predisposition; Hereditary Cancer Syndrome; Hereditary neoplastic syndrome; Neoplastic Syndromes, Hereditary. Identifiers: Orphanet 140162, MedGen C0027672, MeSH D009386, MONDO:0015356.
Ataxia-telangiectasia syndrome (AT). Also called: Ataxia telangiectasia (A-T); LOUIS-BAR SYNDROME; Cerebello-oculocutaneous telangiectasia; Immunodeficiency with ataxia telangiectasia; ATAXIA-TELANGIECTASIA, COMPLEMENTATION GROUP A; ATAXIA-TELANGIECTASIA, FRESNO VARIANT. Identifiers: Orphanet 100, MedGen C0004135, MONDO:0008840, OMIM 208900.

gnomAD v4.1: 1 of 1,613,904 alleles (0.000062%); no homozygotes.

Submissions (4):

Myriad Genetics, Inc.
Classification: Benign for Familial cancer of breast. Last evaluated: 2024-05-01. Review status: criteria provided, single submitter. Criteria: Myriad Autosomal Dominant, Autosomal Recessive and X-Linked Classification Criteria (2023). Collection method: clinical testing. Allele origin: unknown.
Comment: This variant is considered benign. This variant is a silent/synonymous amino acid change and it is not expected to impact splicing.

Labcorp Genetics (formerly Invitae), Labcorp
Classification: Likely benign for Ataxia-telangiectasia syndrome. Last evaluated: 2023-08-03. Review status: criteria provided, single submitter. Criteria: Invitae Variant Classification Sherloc (09022015). Collection method: clinical testing. Allele origin: germline.

Ambry Genetics
Classification: Likely benign for Hereditary cancer-predisposing syndrome. Last evaluated: 2018-07-24. Review status: criteria provided, single submitter. Criteria: Ambry Variant Classification Scheme 2023. Collection method: clinical testing. Allele origin: germline.

GeneDx
Classification: Likely benign. Last evaluated: 2016-10-06. Review status: criteria provided, single submitter. Criteria: GeneDx Variant Classification (06012015). Collection method: clinical testing. Allele origin: germline. Affected: yes.
Comment: This variant is considered likely benign or benign based on one or more of the following criteria: it is a conservative change, it occurs at a poorly conserved position in the protein, it is predicted to be benign by multiple in silico algorithms, and/or has population frequency not consistent with disease.